The following is an entry in ClinVar:

ClinVar aggregate classification (germline): Likely benign (1 of 4 stars; one submission).

Allele frequency attached by ClinVar (database versions not stated): TOPMed below 0.00001; gnomAD exomes 0.00002; ExAC 0.00003.
gnomAD v4.1: 22 of 1,612,532 alleles (0.0014%); highest among the groups gnomAD compares: South Asian, 0.0033%; no homozygotes.

Submission:

CeGaT Center for Human Genetics Tuebingen
Classification: Likely benign. Last evaluated: 2023-11-01. Review status: criteria provided, single submitter. Criteria: CeGaT Center For Human Genetics Tuebingen Variant Classification Criteria Version 2. Collection method: clinical testing. Allele origin: germline. Affected: yes. Observed: 1 variant allele.
Comment: PI4KA: BP4, BP7

NM_058004.4(PI4KA):c.2460C>T (p.Tyr820=)

Gene: PI4KA (phosphatidylinositol 4-kinase alpha; minus strand). Cytogenetic location: 22q11.21.
Variant type: single nucleotide variant.
Coding change: c.2460C>T on transcript NM_058004.4 (MANE Select); coding-DNA position 2460, C replaced by T.
Protein change: p.Tyr820=; no amino-acid change (tyrosine 820 retained).
Molecular consequence: synonymous variant.
Genome position (GRCh38, 1-based): chr22:20,765,214, G>A on the plus strand (C>T on the coding strand, the complement: PI4KA is on the minus strand). VCF-style: chr22-20765214-G-A. GRCh37 (hg19) VCF-style: chr22-21119502-G-A.
Other names: c.2460C>T, p.Tyr820= (NM_001362862.2); c.2394C>T, p.Tyr798= (NM_001362863.2).
Identifiers: ClinVar variation 2672895 (VCV002672895.23), dbSNP rs200981228, ClinGen allele CA10115700.